The following is an entry in ClinVar:

NM_000094.4(COL7A1):c.2050+8C>A

Gene: COL7A1 (collagen type VII alpha 1 chain; minus strand). Cytogenetic location: 3p21.31.
Variant type: single nucleotide variant.
Coding change: c.2050+8C>A on transcript NM_000094.4 (MANE Select); 8 bases into the intron after coding-DNA position 2050, C replaced by A.
Molecular consequence: intron variant.
Genome position (GRCh38, 1-based): chr3:48,590,205, G>T on the plus strand (C>A on the coding strand, the complement: COL7A1 is on the minus strand). VCF-style: chr3-48590205-G-T. GRCh37 (hg19) VCF-style: chr3-48627638-G-T.
Other names: c.2050+8C>A (NM_000094.3).
Identifiers: ClinVar variation 1149812 (VCV001149812.11), dbSNP rs200654405, ClinGen allele CA2381025.
Genomic context (GRCh38, chr3:48,590,205, plus strand): 5'-AAGGGAAGGCATGGGGGTCTGAAAGAGCAATGGAGGCAGAGAGCCAAGGGACGGGGGCAG[G>T]GCCTGACCCGTTCGAGCCACGATGACTGCAGCAGGGCCCTCCTCTCTGCCTCGCAGTACC-3'

ClinVar aggregate classification (germline): Conflicting classifications of pathogenicity. Review status: criteria provided, conflicting classifications (1 of 4 stars). 4 submissions from 4 submitters: Uncertain significance (1); Likely benign (1). 2 of the submissions do not count toward it. Last evaluated 2024-05-09.

Conditions:
Epidermolysis bullosa dystrophica. Also called: Dystrophic epidermolysis bullosa, Hallopeau-Siemens type (formerly); Dystrophic epidermolysis bullosa. Identifiers: Orphanet 303, MedGen C0079294, MONDO:0006543.
COL7A1-related disorder. Also called: COL7A1- related disorders; COL7A1-related condition.

Allele frequency attached by ClinVar (database versions not stated): 1000 Genomes Project 30x 0.00016; 1000 Genomes Project 0.00020.
gnomAD v4.1: 56 of 1,612,740 alleles (0.0035%); highest among the groups gnomAD compares: East Asian, 0.06%; no homozygotes.

Submissions (4):

Labcorp Genetics (formerly Invitae), Labcorp
Classification: Likely benign. Last evaluated: 2024-05-09. Review status: criteria provided, single submitter. Criteria: Invitae Variant Classification Sherloc (09022015). Collection method: clinical testing. Allele origin: germline.

Blueprint Genetics
Classification: Uncertain significance. Last evaluated: 2021-06-17. Review status: criteria provided, single submitter. Criteria: ACMG Guidelines, 2015. Collection method: clinical testing. Allele origin: germline.

Natera, Inc.
Classification: Likely benign for Dystrophic epidermolysis bullosa. Last evaluated: 2020-01-18. Review status: no assertion criteria provided. Collection method: clinical testing. Allele origin: germline. Not counted in ClinVar's aggregate classification.

PreventionGenetics, part of Exact Sciences
Classification: Likely benign for COL7A1-related condition. Last evaluated: 2019-06-12. Review status: no assertion criteria provided. Collection method: clinical testing. Allele origin: germline. Not counted in ClinVar's aggregate classification.
Comment: This variant is classified as likely benign based on ACMG/AMP sequence variant interpretation guidelines (Richards et al. 2015 PMID: 25741868, with internal and published modifications).